The following is an entry in ClinVar:

NM_000038.6(APC):c.3623C>A (p.Thr1208Asn)

Gene: APC (APC regulator of WNT signaling pathway; plus strand). Cytogenetic location: 5q22.2.
Variant type: single nucleotide variant.
Coding change: c.3623C>A on transcript NM_000038.6 (MANE Select); coding-DNA position 3623, C replaced by A.
Protein change: p.Thr1208Asn; replaces threonine 1208 with asparagine.
Molecular consequence: missense variant. On other transcripts: non-coding transcript variant (2).
Genome position (GRCh38, 1-based): chr5:112,839,217, C>A. VCF-style: chr5-112839217-C-A. GRCh37 (hg19) VCF-style: chr5-112174914-C-A.
Other names: c.3623C>A, p.Thr1208Asn (NM_001127510.3, NM_001354895.2, NM_001407450.1); c.3569C>A, p.Thr1190Asn (NM_001127511.3); c.3677C>A, p.Thr1226Asn (NM_001354896.2, NM_001407447.1, NM_001407448.1 and 1 more transcripts); c.3653C>A, p.Thr1218Asn (NM_001354897.2); c.3548C>A, p.Thr1183Asn (NM_001354898.2); c.3539C>A, p.Thr1180Asn (NM_001354899.2); c.3500C>A, p.Thr1167Asn (NM_001354900.2); c.3446C>A, p.Thr1149Asn (NM_001354901.2, NM_001407453.1); and 11 more; short protein forms T1079N, T1117N, T1218N, T824N, T1082N, T1201N, T1226N, T1236N.
Identifiers: ClinVar variation 3572742 (VCV003572742.1).
Genomic context (GRCh38, chr5:112,839,217, plus strand): 5'-CTTCATCACAGAAACAGTCATTTTCATTCTCAAAGAGTTCATCTGGACAAAGCAGTAAAA[C>A]CGAACATATGTCTTCAAGCAGTGAGAATACGTCCACACCTTCATCTAATGCCAAGAGGCA-3'
Protein context (NP_000029.2, residues 1198-1218): SKSSSGQSSK[Thr1208Asn]EHMSSSSENT

ClinVar aggregate classification (germline): Uncertain significance (1 of 4 stars; one submission).

Submission:

GeneDx
Classification: Uncertain significance. Last evaluated: 2024-07-08. Review status: criteria provided, single submitter. Criteria: GeneDx Variant Classification Process June 2021. Collection method: clinical testing. Allele origin: germline. Affected: yes.
Comment: Not observed at significant frequency in large population cohorts (gnomAD); In silico analysis indicates that this missense variant does not alter protein structure/function; Has not been previously published as pathogenic or benign to our knowledge